The following is an entry in ClinVar:

ClinVar aggregate classification (germline): Uncertain significance (1 of 4 stars; one submission).

Allele frequency attached by ClinVar (database versions not stated): TOPMed 0.00001.

Submission:

Labcorp Genetics (formerly Invitae), Labcorp
Classification: Uncertain significance. Last evaluated: 2021-12-13. Review status: criteria provided, single submitter. Criteria: Invitae Variant Classification Sherloc (09022015). Collection method: clinical testing. Allele origin: germline.
Comment: This sequence change replaces histidine, which is basic and polar, with aspartic acid, which is acidic and polar, at codon 505 of the LOXL3 protein (p.His505Asp). This variant is not present in population databases (gnomAD no frequency). This variant has not been reported in the literature in individuals affected with LOXL3-related conditions. Algorithms developed to predict the effect of missense changes on protein structure and function (SIFT, PolyPhen-2, Align-GVGD) all suggest that this variant is likely to be disruptive. In summary, the available evidence is currently insufficient to determine the role of this variant in disease. Therefore, it has been classified as a Variant of Uncertain Significance.

NM_032603.5(LOXL3):c.1513C>G (p.His505Asp)

Gene: LOXL3 (lysyl oxidase like 3; minus strand). Cytogenetic location: 2p13.1.
Variant type: single nucleotide variant.
Coding change: c.1513C>G on transcript NM_032603.5 (MANE Select); coding-DNA position 1513, C replaced by G.
Protein change: p.His505Asp; replaces histidine 505 with aspartic acid.
Molecular consequence: missense variant.
Genome position (GRCh38, 1-based): chr2:74,535,358, G>C on the plus strand (C>G on the coding strand, the complement: LOXL3 is on the minus strand). VCF-style: chr2-74535358-G-C. GRCh37 (hg19) VCF-style: chr2-74762485-G-C.
Other names: c.1078C>G, p.His360Asp (NM_001289164.3); c.430C>G, p.His144Asp (NM_001289165.2); short protein forms H144D, H360D, H505D.
Identifiers: ClinVar variation 2178245 (VCV002178245.1), dbSNP rs1675954391, ClinGen allele CA347387224.